The following is an entry in ClinVar:

ClinVar aggregate classification (germline): Benign. Review status: criteria provided, single submitter (1 of 4 stars). 2 submissions from 2 submitters: Benign (1). 1 of the submissions does not count toward it. Last evaluated 2025-06-12.

Conditions:
SLC4A4-related disorder. Also called: SLC4A4-related condition.

Allele frequency attached by ClinVar (database versions not stated): ESP Exome Variant Server 0.00038; gnomAD 0.00042; TOPMed 0.00051; gnomAD exomes 0.00003; ExAC 0.00009.
gnomAD v4.1: 115 of 1,613,588 alleles (0.0071%); highest among the groups gnomAD compares: African/African-American, 0.13%; 1 homozygote.

Submissions (2):

Labcorp Genetics (formerly Invitae), Labcorp
Classification: Benign. Last evaluated: 2025-06-12. Review status: criteria provided, single submitter. Criteria: Invitae Variant Classification Sherloc (09022015). Collection method: clinical testing. Allele origin: germline.

PreventionGenetics, part of Exact Sciences
Classification: Likely benign for SLC4A4-related condition. Last evaluated: 2019-06-11. Review status: no assertion criteria provided. Collection method: clinical testing. Allele origin: germline. Not counted in ClinVar's aggregate classification.
Comment: This variant is classified as likely benign based on ACMG/AMP sequence variant interpretation guidelines (Richards et al. 2015 PMID: 25741868, with internal and published modifications).

NM_001098484.3(SLC4A4):c.2319T>C (p.Phe773=)

Gene: SLC4A4 (solute carrier family 4 member 4; plus strand). Cytogenetic location: 4q13.3.
Variant type: single nucleotide variant.
Coding change: c.2319T>C on transcript NM_001098484.3 (MANE Select); coding-DNA position 2319, T replaced by C.
Protein change: p.Phe773=; no amino-acid change (phenylalanine 773 retained).
Molecular consequence: synonymous variant.
Genome position (GRCh38, 1-based): chr4:71,534,265, T>C. VCF-style: chr4-71534265-T-C. GRCh37 (hg19) VCF-style: chr4-72399982-T-C.
Other names: c.2319T>C, p.Phe773= (NM_001134742.2); c.2187T>C, p.Phe729= (NM_003759.4).
Identifiers: ClinVar variation 3033498 (VCV003033498.4), dbSNP rs138535007, ClinGen allele CA2955088.